The following is an entry in ClinVar:

ClinVar aggregate classification (germline): Uncertain significance. Review status: criteria provided, multiple submitters, no conflicts (2 of 4 stars). 4 submissions from 4 submitters: Uncertain significance (4). Last evaluated 2025-08-24.

Conditions:
Hereditary cancer-predisposing syndrome. Also called: Tumor predisposition; Hereditary Cancer Syndrome; Hereditary neoplastic syndrome; Neoplastic Syndromes, Hereditary. Identifiers: Orphanet 140162, MedGen C0027672, MeSH D009386, MONDO:0015356.
Familial adenomatous polyposis 1 (FAP1). Also called: FAMILIAL ADENOMATOUS POLYPOSIS 1, ATTENUATED; POLYPOSIS, ADENOMATOUS INTESTINAL. Identifiers: MedGen C2713442, MONDO:0021056, OMIM 175100. Disease mechanism: loss of function.

Allele frequency attached by ClinVar (database versions not stated): TOPMed below 0.00001.

Submissions (4):

Labcorp Genetics (formerly Invitae), Labcorp
Classification: Uncertain significance for Familial adenomatous polyposis 1. Last evaluated: 2025-08-24. Review status: criteria provided, single submitter. Criteria: Invitae Variant Classification Sherloc (09022015). Collection method: clinical testing. Allele origin: germline.
Comment: This sequence change replaces arginine, which is basic and polar, with lysine, which is basic and polar, at codon 727 of the APC protein (p.Arg727Lys). This variant is not present in population databases (gnomAD no frequency). This variant has not been reported in the literature in individuals affected with APC-related conditions. ClinVar contains an entry for this variant (Variation ID: 537516). Invitae Evidence Modeling of protein sequence and biophysical properties (such as structural, functional, and spatial information, amino acid conservation, physicochemical variation, residue mobility, and thermodynamic stability) indicates that this missense variant is not expected to disrupt APC protein function with a negative predictive value of 95%. In summary, the available evidence is currently insufficient to determine the role of this variant in disease. Therefore, it has been classified as a Variant of Uncertain Significance.

GeneDx
Classification: Uncertain significance. Last evaluated: 2025-06-10. Review status: criteria provided, single submitter. Criteria: GeneDx Variant Classification Process June 2021. Collection method: clinical testing. Allele origin: germline. Affected: yes.
Comment: Not observed at significant frequency in large population cohorts (gnomAD); In silico analysis supports that this missense variant has a deleterious effect on protein structure/function; Has not been previously published as pathogenic or benign to our knowledge; This variant is associated with the following publications: (PMID: 18199528)

Baylor Genetics
Classification: Uncertain significance for Familial adenomatous polyposis 1. Last evaluated: 2023-11-14. Review status: criteria provided, single submitter. Criteria: ACMG Guidelines, 2015. Collection method: clinical testing. Allele origin: unknown.

Ambry Genetics
Classification: Uncertain significance for Hereditary cancer-predisposing syndrome. Last evaluated: 2021-08-11. Review status: criteria provided, single submitter. Criteria: Ambry Variant Classification Scheme 2023. Collection method: clinical testing. Allele origin: germline.

NM_000038.6(APC):c.2180G>A (p.Arg727Lys)

Gene: APC (APC regulator of Wnt signaling pathway; plus strand). Cytogenetic location: 5q22.2.
Variant type: single nucleotide variant.
Coding change: c.2180G>A on transcript NM_000038.6 (MANE Select); coding-DNA position 2180, G replaced by A.
Protein change: p.Arg727Lys; replaces arginine 727 with lysine.
Molecular consequence: missense variant.
Genome position (GRCh38, 1-based): chr5:112,837,774, G>A. VCF-style: chr5-112837774-G-A. GRCh37 (hg19) VCF-style: chr5-112173471-G-A.
Other names: c.2180G>A, p.Arg727Lys (NM_001127510.3, NM_001354895.2); c.2126G>A, p.Arg709Lys (NM_001127511.3); c.2234G>A, p.Arg745Lys (NM_001354896.2); c.2210G>A, p.Arg737Lys (NM_001354897.2); c.2105G>A, p.Arg702Lys (NM_001354898.2); c.2096G>A, p.Arg699Lys (NM_001354899.2); c.2057G>A, p.Arg686Lys (NM_001354900.2); c.2003G>A, p.Arg668Lys (NM_001354901.2); and 5 more; short protein forms R709K, R727K, R626K, R699K, R702K, R737K, R444K, R601K.
Identifiers: ClinVar variation 537516 (VCV000537516.11), dbSNP rs1215349287, ClinGen allele CA16026104.